The following is an entry in ClinVar:

NM_015355.4(SUZ12):c.1516A>G (p.Ile506Val)

Gene: SUZ12 (SUZ12 polycomb repressive complex 2 subunit; plus strand). Cytogenetic location: 17q11.2.
Variant type: single nucleotide variant.
Coding change: c.1516A>G on transcript NM_015355.4 (MANE Select); coding-DNA position 1516, A replaced by G.
Protein change: p.Ile506Val; replaces isoleucine 506 with valine.
Molecular consequence: missense variant.
Genome position (GRCh38, 1-based): chr17:31,994,642, A>G. VCF-style: chr17-31994642-A-G. GRCh37 (hg19) VCF-style: chr17-30321661-A-G.
Other names: c.1447A>G, p.Ile483Val (NM_001321207.2); short protein forms I483V, I506V.
Identifiers: ClinVar variation 3370813 (VCV003370813.1).

ClinVar aggregate classification (germline): Uncertain significance (1 of 4 stars; one submission).

Submission:

GeneDx
Classification: Uncertain significance. Last evaluated: 2024-03-12. Review status: criteria provided, single submitter. Criteria: GeneDx Variant Classification Process June 2021. Collection method: clinical testing. Allele origin: germline. Affected: yes.
Comment: Not observed at significant frequency in large population cohorts (gnomAD); In silico analysis supports that this missense variant does not alter protein structure/function; Has not been previously published as pathogenic or benign to our knowledge